The following is an entry in ClinVar:

ClinVar aggregate classification (germline): Uncertain significance (1 of 4 stars; one submission).

Submission:

Labcorp Genetics (formerly Invitae), Labcorp
Classification: Uncertain significance. Last evaluated: 2025-09-22. Review status: criteria provided, single submitter. Criteria: Invitae Variant Classification Sherloc (09022015). Collection method: clinical testing. Allele origin: germline.
Comment: This sequence change replaces threonine, which is neutral and polar, with serine, which is neutral and polar, at codon 111 of the LZTR1 protein (p.Thr111Ser). This variant is not present in population databases (gnomAD no frequency). This variant has not been reported in the literature in individuals affected with LZTR1-related conditions. Invitae Evidence Modeling of protein sequence and biophysical properties (such as structural, functional, and spatial information, amino acid conservation, physicochemical variation, residue mobility, and thermodynamic stability) indicates that this missense variant is not expected to disrupt LZTR1 protein function with a negative predictive value of 80%. In summary, the available evidence is currently insufficient to determine the role of this variant in disease. Therefore, it has been classified as a Variant of Uncertain Significance.

NM_006767.4(LZTR1):c.332C>G (p.Thr111Ser)

Gene: LZTR1 (leucine zipper like post translational regulator 1; plus strand). Cytogenetic location: 22q11.21.
Variant type: single nucleotide variant.
Coding change: c.332C>G on transcript NM_006767.4 (MANE Select); coding-DNA position 332, C replaced by G.
Protein change: p.Thr111Ser; replaces threonine 111 with serine.
Molecular consequence: missense variant.
Genome position (GRCh38, 1-based): chr22:20,987,515, C>G. VCF-style: chr22-20987515-C-G. GRCh37 (hg19) VCF-style: chr22-21341804-C-G.
Other names: short protein forms T111S.
Identifiers: ClinVar variation 4766187 (VCV004766187.1).